The following is an entry in ClinVar:

ClinVar aggregate classification (germline): Uncertain significance. Review status: criteria provided, multiple submitters, no conflicts (2 of 4 stars). 3 submissions from 3 submitters: Uncertain significance (3). Last evaluated 2026-01-02.

Conditions:
Granulocytopenia with immunoglobulin abnormality. Identifiers: MedGen C1856263, MONDO:0009305, OMIM 233600.

Allele frequency attached by ClinVar (database versions not stated): TOPMed 0.00008; gnomAD 0.00009.
gnomAD v4.1: 100 of 1,613,826 alleles (0.0062%); highest among the groups gnomAD compares: Non-Finnish European, 0.0081%; no homozygotes.

Submissions (3):

Labcorp Genetics (formerly Invitae), Labcorp
Classification: Uncertain significance. Last evaluated: 2026-01-02. Review status: criteria provided, single submitter. Criteria: Invitae Variant Classification Sherloc (09022015). Collection method: clinical testing. Allele origin: germline.
Comment: This sequence change replaces arginine, which is basic and polar, with histidine, which is basic and polar, at codon 98 of the HYOU1 protein (p.Arg98His). This variant is present in population databases (rs150918294, gnomAD 0.02%). This variant has not been reported in the literature in individuals affected with HYOU1-related conditions. ClinVar contains an entry for this variant (Variation ID: 1374735). Experimental studies and prediction algorithms are not available or were not evaluated, and the functional significance of this variant is currently unknown. In summary, the available evidence is currently insufficient to determine the role of this variant in disease. Therefore, it has been classified as a Variant of Uncertain Significance.

Blueprint Genetics
Classification: Uncertain significance. Last evaluated: 2024-10-29. Review status: criteria provided, single submitter. Criteria: ACMG Guidelines, 2015. Collection method: clinical testing. Allele origin: germline.

Fulgent Genetics
Classification: Uncertain significance for Granulocytopenia with immunoglobulin abnormality. Last evaluated: 2021-10-13. Review status: criteria provided, single submitter. Criteria: ACMG Guidelines, 2015. Collection method: clinical testing. Allele origin: unknown.

NM_006389.5(HYOU1):c.293G>A (p.Arg98His)

Gene: HYOU1 (hypoxia up-regulated 1; minus strand). Cytogenetic location: 11q23.3.
Variant type: single nucleotide variant.
Coding change: c.293G>A on transcript NM_006389.5 (MANE Select); coding-DNA position 293, G replaced by A.
Protein change: p.Arg98His; replaces arginine 98 with histidine.
Molecular consequence: missense variant.
Genome position (GRCh38, 1-based): chr11:119,055,311, C>T on the plus strand (G>A on the coding strand, the complement: HYOU1 is on the minus strand). VCF-style: chr11-119055311-C-T. GRCh37 (hg19) VCF-style: chr11-118926023-C-T.
Other names: c.293G>A, p.Arg98His (NM_001130991.3); short protein forms R98H.
Identifiers: ClinVar variation 1374735 (VCV001374735.8), dbSNP rs150918294, ClinGen allele CA229648991.
Genomic context (GRCh38, chr11:119,055,311, plus strand): 5'-GCCTGGTAAAGAGCTACATGGGGGTTATCTGCCTGCTTCCCCAGGAGGTGCTGGAAGTAA[C>T]GTAGCGTAGCCTTTGGATTCTTAATCGCCTGAGGGGTGAAGAAGGAGCAGACTAGTATTA-3'
Protein context (NP_006380.1, residues 88-108): MAIKNPKATL[Arg98His]YFQHLLGKQA